The following is an entry in ClinVar:

ClinVar aggregate classification (germline): Likely pathogenic (1 of 4 stars; one submission).

Conditions:
Kabuki syndrome 1 (KABUK1). Also called: KMT2D-Related Kabuki Syndrome. Identifiers: Orphanet 2322, MedGen CN030661, MONDO:0007843, OMIM 147920.

Submission:

Centre for Mendelian Genomics, University Medical Centre Ljubljana
Classification: Likely pathogenic for Kabuki syndrome 1. Last evaluated: 2020-02-18. Review status: criteria provided, single submitter. Criteria: ACMG Guidelines, 2015. Collection method: clinical testing. Allele origin: unknown. Affected: yes.
Comment: This variant was classified as: Likely pathogenic. The following ACMG criteria were applied in classifying this variant: PVS1,PM2.

NM_003482.4(KMT2D):c.10653_10654insT (p.Ala3552fs)

Gene: KMT2D (lysine methyltransferase 2D; minus strand). Cytogenetic location: 12q13.12.
Variant type: Insertion.
Coding change: c.10653_10654insT on transcript NM_003482.4 (MANE Select); coding-DNA positions 10653 to 10654, T inserted.
Protein change: p.Ala3552fs; shifts the reading frame from alanine 3552.
Molecular consequence: frameshift variant.
Genome position: GRCh38 VCF-style: chr12-49034153-C-CA. GRCh37 (hg19) VCF-style: chr12-49427936-C-CA.
Other names: short protein forms A3552fs.
Identifiers: ClinVar variation 930954 (VCV000930954.3), dbSNP rs1943097701, ClinGen allele CA479708991.